The following is an entry in ClinVar:

NM_006662.3(SRCAP):c.4283C>T (p.Ser1428Phe)

Gene: SRCAP (Snf2 related CREBBP activator protein; plus strand). Cytogenetic location: 16p11.2.
Variant type: single nucleotide variant.
Coding change: c.4283C>T on transcript NM_006662.3 (MANE Select); coding-DNA position 4283, C replaced by T.
Protein change: p.Ser1428Phe; replaces serine 1428 with phenylalanine.
Molecular consequence: missense variant.
Genome position (GRCh38, 1-based): chr16:30,723,707, C>T. VCF-style: chr16-30723707-C-T. GRCh37 (hg19) VCF-style: chr16-30735028-C-T.
Other names: short protein forms S1428F.
Identifiers: ClinVar variation 2745292 (VCV002745292.3), dbSNP rs2506677134, ClinGen allele CA395615692.
Genomic context (GRCh38, chr16:30,723,707, plus strand): 5'-CTGGGCCAGCCTCTTCTCCAATGCCAATTCCCAACTCCTCTCCCCTTGCTAGTCCTGTGT[C>T]CTCTACAGTCTCAGTTCCATTGTCATCTTCACTCCCCATCTCTGTCCCCACCACACTTCC-3'
Protein context (NP_006653.2, residues 1418-1438): PNSSPLASPV[Ser1428Phe]STVSVPLSSS

ClinVar aggregate classification (germline): Uncertain significance (1 of 4 stars; one submission).

Allele frequency attached by ClinVar (database versions not stated): gnomAD exomes below 0.00001.
gnomAD v4.1: 1 of 1,614,066 alleles (0.000062%); highest among the groups gnomAD compares: Non-Finnish European, 0.000085%; no homozygotes.

Submission:

Labcorp Genetics (formerly Invitae), Labcorp
Classification: Uncertain significance. Last evaluated: 2023-05-28. Review status: criteria provided, single submitter. Criteria: Invitae Variant Classification Sherloc (09022015). Collection method: clinical testing. Allele origin: germline.
Comment: This sequence change replaces serine, which is neutral and polar, with phenylalanine, which is neutral and non-polar, at codon 1428 of the SRCAP protein (p.Ser1428Phe). This variant is not present in population databases (gnomAD no frequency). In summary, the available evidence is currently insufficient to determine the role of this variant in disease. Therefore, it has been classified as a Variant of Uncertain Significance. Advanced modeling of protein sequence and biophysical properties (such as structural, functional, and spatial information, amino acid conservation, physicochemical variation, residue mobility, and thermodynamic stability) performed at Invitae indicates that this missense variant is not expected to disrupt SRCAP protein function. This variant has not been reported in the literature in individuals affected with SRCAP-related conditions.